The following is an entry in ClinVar:

ClinVar aggregate classification (germline): Uncertain significance. Review status: criteria provided, multiple submitters, no conflicts (2 of 4 stars). 3 submissions from 3 submitters: Uncertain significance (2). 1 of the submissions does not count toward it. Last evaluated 2025-12-15.

Conditions:
Bardet-Biedl syndrome 20. Identifiers: MedGen C4310707, MONDO:0023670, OMIM 619471, MONDO:0014926.
Short-rib thoracic dysplasia 10 with or without polydactyly (SRTD10). Identifiers: Orphanet 474, MedGen C3810175, MONDO:0014284, OMIM 615630.
Retinitis pigmentosa 71 (RP71). Identifiers: Orphanet 791, MedGen C4225342, MONDO:0014618, OMIM 616394.
IFT172-related disorder. Also called: IFT172-related disorders; IFT172-related condition.
Inborn genetic diseases. Identifiers: MedGen C0950123, MeSH D030342.

gnomAD v4.1: 7 of 1,614,042 alleles (0.00043%); highest among the groups gnomAD compares: African/African-American, 0.008%; no homozygotes.

Submissions (3):

Ambry Genetics
Classification: Uncertain significance for Inborn genetic diseases. Last evaluated: 2025-12-15. Review status: criteria provided, single submitter. Criteria: Ambry Variant Classification Scheme 2023. Collection method: clinical testing. Allele origin: germline.

Fulgent Genetics
Classification: Uncertain significance for Short-rib thoracic dysplasia 10 with or without polydactyly; Retinitis pigmentosa 71; Bardet-Biedl syndrome 20. Last evaluated: 2024-06-03. Review status: criteria provided, single submitter. Criteria: ACMG Guidelines, 2015. Collection method: clinical testing. Allele origin: germline.

PreventionGenetics, part of Exact Sciences
Classification: Uncertain significance for IFT172-related condition. Last evaluated: 2024-05-01. Review status: no assertion criteria provided. Collection method: clinical testing. Allele origin: germline. Not counted in ClinVar's aggregate classification.
Comment: The IFT172 c.4310A>G variant is predicted to result in the amino acid substitution p.Gln1437Arg. To our knowledge, this variant has not been reported in the literature. This variant is reported in 0.012% of alleles in individuals of African descent in gnomAD. At this time, the clinical significance of this variant is uncertain due to the absence of conclusive functional and genetic evidence.

NM_015662.3(IFT172):c.4310A>G (p.Gln1437Arg)

Gene: IFT172 (intraflagellar transport 172; minus strand). Cytogenetic location: 2p23.3.
Variant type: single nucleotide variant.
Coding change: c.4310A>G on transcript NM_015662.3 (MANE Select); coding-DNA position 4310, A replaced by G.
Protein change: p.Gln1437Arg; replaces glutamine 1437 with arginine.
Molecular consequence: missense variant.
Genome position (GRCh38, 1-based): chr2:27,449,295, T>C on the plus strand (A>G on the coding strand, the complement: IFT172 is on the minus strand). VCF-style: chr2-27449295-T-C. GRCh37 (hg19) VCF-style: chr2-27672162-T-C.
Other names: c.4244A>G, p.Gln1415Arg (NM_001410739.1); c.4310A>G (NM_015662.1); short protein forms Q1415R, Q1437R.
Identifiers: ClinVar variation 3357485 (VCV003357485.3).